The following is an entry in ClinVar:

ClinVar aggregate classification (germline): Uncertain significance. Review status: criteria provided, multiple submitters, no conflicts (2 of 4 stars). 2 submissions from 2 submitters: Uncertain significance (2). Last evaluated 2024-12-12.

Conditions:
Retinitis pigmentosa (RP). Identifiers: Orphanet 791, MedGen C0035334, MeSH D012174, MONDO:0019200, OMIM 268000. Inheritance: Autosomal dominant, autosomal recessive and X linked inheritance.

Allele frequency attached by ClinVar (database versions not stated): 1000 Genomes Project 0.00020; gnomAD exomes 0.00009; TOPMed 0.00009; gnomAD 0.00010; 1000 Genomes Project 30x 0.00016.
gnomAD v4.1: 142 of 1,536,992 alleles (0.0092%); highest among the groups gnomAD compares: Middle Eastern, 0.017%; no homozygotes.

Submissions (2):

Labcorp Genetics (formerly Invitae), Labcorp
Classification: Uncertain significance. Last evaluated: 2024-12-12. Review status: criteria provided, single submitter. Criteria: Invitae Variant Classification Sherloc (09022015). Collection method: clinical testing. Allele origin: germline.
Comment: This variant occurs in a non-coding region of the EYS gene. It does not change the encoded amino acid sequence of the EYS protein. This variant is present in population databases (rs530118054, gnomAD 0.01%). This variant has not been reported in the literature in individuals affected with EYS-related conditions. ClinVar contains an entry for this variant (Variation ID: 357751). In summary, the available evidence is currently insufficient to determine the role of this variant in disease. Therefore, it has been classified as a Variant of Uncertain Significance.

Illumina Laboratory Services, Illumina
Classification: Uncertain significance for Retinitis pigmentosa. Last evaluated: 2018-01-12. Review status: criteria provided, single submitter. Criteria: ICSL Variant Classification Criteria 13 December 2019. Collection method: clinical testing. Allele origin: germline.

NM_001142800.2(EYS):c.-68C>T

Gene: EYS (EGF-like photoreceptor maintenance factor; minus strand). Cytogenetic location: 6q12.
Variant type: single nucleotide variant.
Coding change: c.-68C>T on transcript NM_001142800.2 (MANE Select); 68 bases upstream of the start codon, C replaced by T.
Molecular consequence: 5 prime UTR variant.
Genome position (GRCh38, 1-based): chr6:65,495,478, G>A on the plus strand (C>T on the coding strand, the complement: EYS is on the minus strand). VCF-style: chr6-65495478-G-A. GRCh37 (hg19) VCF-style: chr6-66205371-G-A.
Other names: c.-68C>T (NM_001142801.2, NM_001292009.2, NM_198283.2).
Identifiers: ClinVar variation 357751 (VCV000357751.8), dbSNP rs530118054, ClinGen allele CA10627401.
Genomic context (GRCh38, chr6:65,495,478, plus strand): 5'-TAGCTGTATTTTACAGTTTATCATAAAGAATTGCTGCAAAATGGTGTTTTAAGTATTACC[G>A]GAAATTTCCAAGTAAAGTTGTGGTTAAGGATTCCTGGGAATTGGAATTGACCTTTTTTCT-3'